The following is an entry in ClinVar:

NM_182914.3(SYNE2):c.16486C>A (p.Leu5496Ile)

Gene: SYNE2 (spectrin repeat containing nuclear envelope protein 2; plus strand). Cytogenetic location: 14q23.2.
Variant type: single nucleotide variant.
Coding change: c.16486C>A on transcript NM_182914.3 (MANE Select); coding-DNA position 16486, C replaced by A.
Protein change: p.Leu5496Ile; replaces leucine 5496 with isoleucine.
Molecular consequence: missense variant.
Genome position (GRCh38, 1-based): chr14:64,165,291, C>A. VCF-style: chr14-64165291-C-A. GRCh37 (hg19) VCF-style: chr14-64632009-C-A.
Other names: c.16486C>A, p.Leu5496Ile (NM_015180.6); short protein forms L5496I.
Identifiers: ClinVar variation 3670638 (VCV003670638.2).
Genomic context (GRCh38, chr14:64,165,291, plus strand): 5'-TCTGTTTTATATGTACATGAAAATAGTTTCTAATGAAAATTTCTCTTGTTCTAGTTTGTT[C>A]TCTCACAGTTTAAGGATTTTGGAGTCCGGCTGGAATCTTTAAAAGGTCTTATTATGCATG-3'
Protein context (NP_878918.2, residues 5486-5506): LVKANEFEFV[Leu5496Ile]SQFKDFGVRL

ClinVar aggregate classification (germline): Uncertain significance (1 of 4 stars; one submission).

Conditions:
Emery-Dreifuss muscular dystrophy 5, autosomal dominant (EDMD5). Also called: EMERY-DREIFUSS MUSCULAR DYSTROPHY 5. Identifiers: Orphanet 261, MedGen C2751805, MONDO:0013072, OMIM 612999.

gnomAD v4.1: 3 of 1,613,398 alleles (0.00019%); highest among the groups gnomAD compares: Non-Finnish European, 0.00025%; no homozygotes.

Submission:

Labcorp Genetics (formerly Invitae), Labcorp
Classification: Uncertain significance for Emery-Dreifuss muscular dystrophy 5, autosomal dominant. Last evaluated: 2024-08-13. Review status: criteria provided, single submitter. Criteria: Invitae Variant Classification Sherloc (09022015). Collection method: clinical testing. Allele origin: germline.
Comment: This sequence change replaces leucine, which is neutral and non-polar, with isoleucine, which is neutral and non-polar, at codon 5496 of the SYNE2 protein (p.Leu5496Ile). This variant is present in population databases (rs377091000, gnomAD 0.0009%). This variant has not been reported in the literature in individuals affected with SYNE2-related conditions. An algorithm developed to predict the effect of missense changes on protein structure and function (PolyPhen-2) suggests that this variant is likely to be disruptive. In summary, the available evidence is currently insufficient to determine the role of this variant in disease. Therefore, it has been classified as a Variant of Uncertain Significance.